The following is an entry in ClinVar:

ClinVar aggregate classification (germline): Pathogenic (1 of 4 stars; one submission).

Conditions:
Neurofibromatosis, type 1 (NF1). Also called: Neurofibromatosis, type I; Peripheral type neurofibromatosis; VON RECKLINGHAUSEN DISEASE; NEUROFIBROMATOSIS, TYPE I, SOMATIC. Identifiers: Orphanet 636, MedGen C0027831, MONDO:0018975, OMIM 162200. Disease mechanism: loss of function.

Submission:

Labcorp Genetics (formerly Invitae), Labcorp
Classification: Pathogenic for Neurofibromatosis, type 1. Last evaluated: 2023-10-15. Review status: criteria provided, single submitter. Criteria: Invitae Variant Classification Sherloc (09022015). Collection method: clinical testing. Allele origin: germline.
Comment: This sequence change creates a premature translational stop signal (p.Val224*) in the NF1 gene. It is expected to result in an absent or disrupted protein product. Loss-of-function variants in NF1 are known to be pathogenic (PMID: 10712197, 23913538). This variant is not present in population databases (gnomAD no frequency). This premature translational stop signal has been observed in individual(s) with neurofibromatosis type 1 (PMID: 16199547). For these reasons, this variant has been classified as Pathogenic.

Literature cited by the submitters: PubMed 10712197; PubMed 23913538; PubMed 16199547.

NM_001042492.3(NF1):c.670del (p.Trp223_Val224insTer)

Gene: NF1 (neurofibromin 1; plus strand). Cytogenetic location: 17q11.2.
Variant type: Deletion.
Coding change: c.670del on transcript NM_001042492.3 (MANE Select); coding-DNA position 670, one base deleted (G; older notation c.670delG).
Protein change: p.Trp223_Val224insTer.
Molecular consequence: nonsense. On other transcripts: frameshift variant (1).
Genome position (GRCh38, 1-based): chr17:31,181,725, G deleted; the last of 3 consecutive G bases (chr17:31,181,723-31,181,725); deleting any one gives the same sequence. VCF-style (leftmost placement, unchanged base first): chr17-31181722-TG-T. GRCh37 (hg19) VCF-style: chr17-29508740-TG-T.
Other names: c.670delG, p.Val224Terfs (NM_000267.4); c.670del, p.Trp223_Val224insTer (NM_001128147.3).
Identifiers: ClinVar variation 2736498 (VCV002736498.3), dbSNP rs2143777575, ClinGen allele CA2637073975.